The following is an entry in ClinVar:

ClinVar aggregate classification (germline): Uncertain significance (1 of 4 stars; one submission).

gnomAD v4.1: 1 of 1,614,042 alleles (0.000062%); highest among the groups gnomAD compares: Non-Finnish European, 0.000085%; no homozygotes.

Submission:

Ambry Genetics
Classification: Uncertain significance. Last evaluated: 2025-04-20. Review status: criteria provided, single submitter. Criteria: Ambry Variant Classification Scheme 2023. Collection method: clinical testing. Allele origin: germline.
Comment: The p.L262F variant (also known as c.786A>T), located in coding exon 8 of the SRP72 gene, results from an A to T substitution at nucleotide position 786. The leucine at codon 262 is replaced by phenylalanine, an amino acid with highly similar properties. This amino acid position is conserved. In addition, this alteration is predicted to be tolerated by in silico analysis. Based on the available evidence, the clinical significance of this variant remains unclear.

NM_006947.4(SRP72):c.786A>T (p.Leu262Phe)

Gene: SRP72 (signal recognition particle 72; plus strand). Cytogenetic location: 4q12.
Variant type: single nucleotide variant.
Coding change: c.786A>T on transcript NM_006947.4 (MANE Select); coding-DNA position 786, A replaced by T.
Protein change: p.Leu262Phe; replaces leucine 262 with phenylalanine.
Molecular consequence: missense variant. On other transcripts: non-coding transcript variant (1), intron variant (1).
Genome position (GRCh38, 1-based): chr4:56,478,610, A>T. VCF-style: chr4-56478610-A-T. GRCh37 (hg19) VCF-style: chr4-57344776-A-T.
Other names: c.642+1908A>T (NM_001267722.2); short protein forms L262F.
Identifiers: ClinVar variation 3962079 (VCV003962079.1).